The following is an entry in ClinVar:

ClinVar aggregate classification (germline): Uncertain significance (1 of 4 stars; one submission).

Submission:

Ambry Genetics
Classification: Uncertain significance. Last evaluated: 2026-04-28. Review status: criteria provided, single submitter. Criteria: Ambry Variant Classification Scheme 2023. Collection method: clinical testing. Allele origin: germline.
Comment: The c.462_464delGGC variant (also known as p.A155del) is located in coding exon 1 of the PALLD gene. This variant results from an in-frame GGC deletion at nucleotide positions 462 to 464. This results in the in-frame deletion of an alanine at codon 155. This amino acid position is not well conserved in available vertebrate species. The evidence for this gene-disease relationship is limited; therefore, the clinical significance of this variant is unclear.

NM_001166108.2(PALLD):c.1965-12569_1965-12567del

Gene: PALLD (palladin, cytoskeletal associated protein; plus strand). Cytogenetic location: 4q32.3.
Variant type: Microsatellite.
Coding change: c.1965-12569_1965-12567del on transcript NM_001166108.2 (MANE Select); 12569 bases into the intron before coding-DNA position 1965 through 12567 bases into the intron before coding-DNA position 1965, 3 bases deleted (GGC; older notation c.1965-12569_1965-12567delGGC).
Molecular consequence: intron variant. On other transcripts: inframe deletion (1).
Genome position (GRCh38, 1-based): chr4:168,878,353-168,878,355, GGC deleted; deleting any 3 consecutive bases within chr4:168,878,349-168,878,355 gives the same sequence; the c. name uses the placement nearest the transcript's 3' end. VCF-style (leftmost placement, unchanged base first): chr4-168878348-CCGG-C. GRCh37 (hg19) VCF-style: chr4-169799499-CCGG-C.
Other names: c.459GGC[1], p.Ala155del (NM_001166110.2); c.1965-12569_1965-12567del (NM_016081.4); c.819-12569_819-12567del (NM_001166109.2); c.-157-12569_-157-12567del (NM_001367570.1, NM_001367568.1, NM_001367567.1 and 1 more transcripts); short protein forms A155del.
Identifiers: ClinVar variation 4861534 (VCV004861534.1).